The following is an entry in ClinVar:

NM_019892.6(INPP5E):c.1159+9G>A

Gene: INPP5E (inositol polyphosphate-5-phosphatase E; minus strand). Cytogenetic location: 9q34.3.
Variant type: single nucleotide variant.
Coding change: c.1159+9G>A on transcript NM_019892.6 (MANE Select); 9 bases into the intron after coding-DNA position 1159, G replaced by A.
Molecular consequence: intron variant.
Genome position (GRCh38, 1-based): chr9:136,433,146, C>T on the plus strand (G>A on the coding strand, the complement: INPP5E is on the minus strand). VCF-style: chr9-136433146-C-T. GRCh37 (hg19) VCF-style: chr9-139327598-C-T.
Other names: c.1159+9G>A (NM_001318502.2).
Identifiers: ClinVar variation 379651 (VCV000379651.11), dbSNP rs114937687, ClinGen allele CA5336921.
Genomic context (GRCh38, chr9:136,433,146, plus strand): 5'-GGCAGCCCTCAGCTCACCTGTGGGACGCTGCCACCTTCCAGCCGCGCCCACCCCTCCAGC[C>T]GCGCCCACCTGAGCAGAACCAGATGAGGTCCCTGCGGATGAAGAGCGACATGTAGAGCAC-3'

ClinVar aggregate classification (germline): Benign/Likely benign. Review status: criteria provided, multiple submitters, no conflicts (2 of 4 stars). 3 submissions from 3 submitters: Benign (1); Likely benign (2). Last evaluated 2026-01-28.

Conditions:
Joubert syndrome. Also called: Familial aplasia of the vermis; JOUBERT-BOLTSHAUSER SYNDROME. Identifiers: Orphanet 475, MedGen C5979921, MONDO:0018772.

Allele frequency attached by ClinVar (database versions not stated): gnomAD exomes 0.00008 and 0.00016; ExAC 0.00016; gnomAD 0.00048 and 0.00052; ESP Exome Variant Server 0.01001.
gnomAD v4.1: 189 of 1,608,100 alleles (0.012%); highest among the groups gnomAD compares: African/African-American, 0.16%; 1 homozygote.

Submissions (3):

Labcorp Genetics (formerly Invitae), Labcorp
Classification: Benign for Joubert syndrome. Last evaluated: 2026-01-28. Review status: criteria provided, single submitter. Criteria: Invitae Variant Classification Sherloc (09022015). Collection method: clinical testing. Allele origin: germline.

Blueprint Genetics
Classification: Likely benign. Last evaluated: 2024-06-19. Review status: criteria provided, single submitter. Criteria: ACMG Guidelines, 2015. Collection method: clinical testing. Allele origin: germline.

GeneDx
Classification: Likely benign. Last evaluated: 2017-01-11. Review status: criteria provided, single submitter. Criteria: GeneDx Variant Classification (06012015). Collection method: clinical testing. Allele origin: germline. Affected: yes.
Comment: This variant is considered likely benign or benign based on one or more of the following criteria: it is a conservative change, it occurs at a poorly conserved position in the protein, it is predicted to be benign by multiple in silico algorithms, and/or has population frequency not consistent with disease.